The following is an entry in ClinVar:

NM_017654.4(SAMD9):c.2624A>G (p.Gln875Arg)

Gene: SAMD9 (sterile alpha motif domain containing 9; minus strand). Cytogenetic location: 7q21.2.
Variant type: single nucleotide variant.
Coding change: c.2624A>G on transcript NM_017654.4 (MANE Select); coding-DNA position 2624, A replaced by G.
Protein change: p.Gln875Arg; replaces glutamine 875 with arginine.
Molecular consequence: missense variant.
Genome position (GRCh38, 1-based): chr7:93,103,474, T>C on the plus strand (A>G on the coding strand, the complement: SAMD9 is on the minus strand). VCF-style: chr7-93103474-T-C. GRCh37 (hg19) VCF-style: chr7-92732787-T-C.
Other names: c.2624A>G, p.Gln875Arg (NM_001193307.2); short protein forms Q875R.
Identifiers: ClinVar variation 5028807 (VCV005028807.1).

ClinVar aggregate classification (germline): Uncertain significance (1 of 4 stars; one submission).

Conditions:
Inborn genetic diseases. Identifiers: MedGen C0950123, MeSH D030342.

Submission:

Ambry Genetics
Classification: Uncertain significance for Inborn genetic diseases. Last evaluated: 2026-08-29. Review status: criteria provided, single submitter. Criteria: Ambry Variant Classification Scheme 2023. Collection method: clinical testing. Allele origin: germline.
Comment: The p.Q875R variant (also known as c.2624A>G), located in coding exon 1 of the SAMD9 gene, results from an A to G substitution at nucleotide position 2624. The glutamine at codon 875 is replaced by arginine, an amino acid with highly similar properties. This amino acid position is conserved. In addition, this alteration is predicted to be tolerated by in silico analysis. Based on the available evidence, the clinical significance of this variant remains unclear.